The following is an entry in ClinVar:

ClinVar aggregate classification (germline): Pathogenic (1 of 4 stars; one submission).

Conditions:
Familial thoracic aortic aneurysm and aortic dissection (TAAD). Also called: Thoracic aortic aneurysms and dissections. Identifiers: Orphanet 91387, MedGen C4707243, MONDO:0019625.

Submission:

Ambry Genetics
Classification: Pathogenic for Familial thoracic aortic aneurysm and aortic dissection. Last evaluated: 2024-05-29. Review status: criteria provided, single submitter. Criteria: Ambry Variant Classification Scheme 2023. Collection method: clinical testing. Allele origin: germline.
Comment: The p.Y170* pathogenic mutation (also known as c.510C>A), located in coding exon 5 of the FBN1 gene, results from a C to A substitution at nucleotide position 510. This changes the amino acid from a tyrosine to a stop codon within coding exon 5. Other nucleotide changes resulting in the p.Y170* protein impact (c.510C>G, c.509dupA, and c.510delC) have been detected in individuals with features consistent with Marfan syndrome (Biggin A et al. Hum Mutat, 2004 Jan;23:99; Baudhuin LM et al. J Hum Genet, 2015 May;60:241-52; Mannucci L et al. Clin Chim Acta, 2020 Feb;501:154-164). This variant is considered to be rare based on population cohorts in the Genome Aggregation Database (gnomAD). This alteration is expected to result in loss of function by premature protein truncation or nonsense-mediated mRNA decay. As such, this alteration is interpreted as a disease-causing mutation.

Literature cited by the submitters: PubMed 14695540; PubMed 19839986; PubMed 25652356; PubMed 31730815.

NM_000138.5(FBN1):c.510C>A (p.Tyr170Ter)

Gene: FBN1 (fibrillin 1; minus strand). Cytogenetic location: 15q21.1.
Variant type: single nucleotide variant.
Coding change: c.510C>A on transcript NM_000138.5 (MANE Select); coding-DNA position 510, C replaced by A.
Protein change: p.Tyr170Ter; replaces tyrosine 170 with a stop codon.
Molecular consequence: nonsense.
Genome position (GRCh38, 1-based): chr15:48,596,311, G>T on the plus strand (C>A on the coding strand, the complement: FBN1 is on the minus strand). VCF-style: chr15-48596311-G-T. GRCh37 (hg19) VCF-style: chr15-48888508-G-T.
Other names: c.510C>A, p.Tyr170Ter (NM_001406716.1, NM_001406717.1); short protein forms Y170*.
Identifiers: ClinVar variation 3277954 (VCV003277954.1).